The following is an entry in ClinVar:

ClinVar aggregate classification (germline): Uncertain significance (1 of 4 stars; one submission).

Conditions:
Hereditary cancer-predisposing syndrome. Also called: Neoplastic Syndromes, Hereditary; Tumor predisposition; Hereditary Cancer Syndrome; Hereditary neoplastic syndrome. Identifiers: Orphanet 140162, MedGen C0027672, MeSH D009386, MONDO:0015356.

Submission:

Ambry Genetics
Classification: Uncertain significance for Hereditary cancer-predisposing syndrome. Last evaluated: 2026-01-06. Review status: criteria provided, single submitter. Criteria: Ambry Variant Classification Scheme 2023. Collection method: clinical testing. Allele origin: germline.
Comment: The p.T112S variant (also known as c.335C>G), located in coding exon 4 of the SDHD gene, results from a C to G substitution at nucleotide position 335. The threonine at codon 112 is replaced by serine, an amino acid with similar properties. This amino acid position is conserved. In addition, this alteration is predicted to be deleterious by in silico analysis. Based on the available evidence, the clinical significance of this variant remains unclear.

NM_003002.4(SDHD):c.335C>G (p.Thr112Ser)

Gene: SDHD (succinate dehydrogenase complex subunit D; plus strand). Cytogenetic location: 11q23.1.
Variant type: single nucleotide variant.
Coding change: c.335C>G on transcript NM_003002.4 (MANE Select); coding-DNA position 335, C replaced by G.
Protein change: p.Thr112Ser; replaces threonine 112 with serine.
Molecular consequence: missense variant. On other transcripts: 3 prime UTR variant (1), non-coding transcript variant (1).
Genome position (GRCh38, 1-based): chr11:112,094,825, C>G. VCF-style: chr11-112094825-C-G. GRCh37 (hg19) VCF-style: chr11-111965549-C-G.
Other names: c.190C>G, p.Leu64Val (NM_001276503.2); c.218C>G, p.Thr73Ser (NM_001276504.2); c.*33C>G (NM_001276506.2); short protein forms L64V, T112S, T73S.
Identifiers: ClinVar variation 4843589 (VCV004843589.1).